The following is an entry in ClinVar:

ClinVar aggregate classification (germline): Uncertain significance (1 of 4 stars; one submission).

Submission:

GeneDx
Classification: Uncertain significance. Last evaluated: 2025-08-16. Review status: criteria provided, single submitter. Criteria: GeneDx Variant Classification Process June 2021. Collection method: clinical testing. Allele origin: germline. Affected: yes.
Comment: Not observed at significant frequency in large population cohorts (gnomAD); In silico analysis supports that this missense variant has a deleterious effect on protein structure/function; Has not been previously published as pathogenic or benign to our knowledge

NM_001205293.3(CACNA1E):c.4542T>A (p.Asn1514Lys)

Gene: CACNA1E (calcium voltage-gated channel subunit alpha1 E; plus strand). Cytogenetic location: 1q25.3.
Variant type: single nucleotide variant.
Coding change: c.4542T>A on transcript NM_001205293.3 (MANE Select); coding-DNA position 4542, T replaced by A.
Protein change: p.Asn1514Lys; replaces asparagine 1514 with lysine.
Molecular consequence: missense variant.
Genome position (GRCh38, 1-based): chr1:181,758,805, T>A. VCF-style: chr1-181758805-T-A. GRCh37 (hg19) VCF-style: chr1-181727941-T-A.
Other names: c.4542T>A, p.Asn1514Lys (NM_000721.4); c.4485T>A, p.Asn1495Lys (NM_001205294.2); short protein forms N1495K, N1514K.
Identifiers: ClinVar variation 4795356 (VCV004795356.1).
Genomic context (GRCh38, chr1:181,758,805, plus strand): 5'-TTCTTCCTGGCAGTATTATTCTGCTCCCTGTACCTATGAGCTGGCCCTGAAGTACCTGAA[T>A]ATCGCCTTCACCATGGTGTTTTCCCTGGAATGTGTCCTGAAGGTCATCGCTTTTGGCTTT-3'
Protein context (NP_001192222.1, residues 1504-1524): CTYELALKYL[Asn1514Lys]IAFTMVFSLE